The following is an entry in ClinVar:

ClinVar aggregate classification (germline): Uncertain significance. Review status: criteria provided, multiple submitters, no conflicts (2 of 4 stars). 4 submissions from 4 submitters: Uncertain significance (4). Last evaluated 2025-12-11.

Conditions:
Meckel syndrome, type 4 (MKS4). Also called: MECKEL-GRUBER SYNDROME, TYPE 4. Identifiers: Orphanet 564, MedGen C1970161, MONDO:0012626, OMIM 611134.
Bardet-Biedl syndrome 14 (BBS14). Identifiers: Orphanet 110, MedGen C2673874, MONDO:0014442, OMIM 615991.
Senior-Loken syndrome 6 (SLSN6). Identifiers: Orphanet 3156, MedGen C1857779, MONDO:0012433, OMIM 610189.
Joubert syndrome 5 (JBTS5). Identifiers: Orphanet 2318, MedGen C1857780, MONDO:0012432, OMIM 610188.
Leber congenital amaurosis 10 (LCA10). Identifiers: Orphanet 65, MedGen C1857821, MONDO:0012723, OMIM 611755.
Joubert syndrome. Also called: Familial aplasia of the vermis; JOUBERT-BOLTSHAUSER SYNDROME. Identifiers: Orphanet 475, MedGen C5979921, MONDO:0018772.
Nephronophthisis. Also called: Juvenile Nephronophthisis. Identifiers: Orphanet 655, MedGen C0687120, MONDO:0019005, HP:0000090.
Meckel-Gruber syndrome. Also called: Dysencephalia splachnocystica; GRUBER SYNDROME; DYSENCEPHALIA SPLANCHNOCYSTICA. Identifiers: Orphanet 564, MedGen C0265215, MONDO:0018921.
CEP290-related disorder. Also called: CEP290-related condition; CEP290-related disorders. Identifiers: MedGen CN239314.
Inborn genetic diseases. Identifiers: MedGen C0950123, MeSH D030342.

Allele frequency attached by ClinVar (database versions not stated): TOPMed 0.00001.
gnomAD v4.1: 5 of 1,570,778 alleles (0.00032%); highest among the groups gnomAD compares: Admixed American, 0.0058%; no homozygotes.

Submissions (4):

PreventionGenetics, part of Exact Sciences
Classification: Uncertain significance for CEP290-related condition. Last evaluated: 2025-12-11. Review status: criteria provided, single submitter. Criteria: ACMG Guidelines, 2015. Collection method: clinical testing. Allele origin: germline.
Comment: The CEP290 c.6959A>T variant is predicted to result in the amino acid substitution p.Gln2320Leu. To our knowledge, this variant has not been reported in the literature or in a large population database (gnomAD), indicating this variant is rare. At this time, the clinical significance of this variant is uncertain due to the absence of conclusive functional and genetic evidence.

Fulgent Genetics
Classification: Uncertain significance for Joubert syndrome 5; Senior-Loken syndrome 6; Meckel syndrome, type 4; Leber congenital amaurosis 10; Bardet-Biedl syndrome 14. Last evaluated: 2024-04-16. Review status: criteria provided, single submitter. Criteria: ACMG Guidelines, 2015. Collection method: clinical testing. Allele origin: germline.

Labcorp Genetics (formerly Invitae), Labcorp
Classification: Uncertain significance for Joubert syndrome; Meckel-Gruber syndrome; Nephronophthisis. Last evaluated: 2021-10-05. Review status: criteria provided, single submitter. Criteria: Invitae Variant Classification Sherloc (09022015). Collection method: clinical testing. Allele origin: germline.
Comment: This sequence change replaces glutamine with leucine at codon 2320 of the CEP290 protein (p.Gln2320Leu). The glutamine residue is moderately conserved and there is a moderate physicochemical difference between glutamine and leucine. This variant is not present in population databases (ExAC no frequency). This variant has not been reported in the literature in individuals affected with CEP290-related conditions. Algorithms developed to predict the effect of missense changes on protein structure and function are either unavailable or do not agree on the potential impact of this missense change (SIFT: "Deleterious"; PolyPhen-2: "Benign"; Align-GVGD: "Class C15"). In summary, the available evidence is currently insufficient to determine the role of this variant in disease. Therefore, it has been classified as a Variant of Uncertain Significance.

Ambry Genetics
Classification: Uncertain significance for Inborn genetic diseases. Last evaluated: 2021-06-18. Review status: criteria provided, single submitter. Criteria: Ambry Variant Classification Scheme 2023. Collection method: clinical testing. Allele origin: germline.

NM_025114.4(CEP290):c.6959A>T (p.Gln2320Leu)

Gene: CEP290 (centrosomal protein 290; minus strand). Cytogenetic location: 12q21.32.
Variant type: single nucleotide variant.
Coding change: c.6959A>T on transcript NM_025114.4 (MANE Select); coding-DNA position 6959, A replaced by T.
Protein change: p.Gln2320Leu; replaces glutamine 2320 with leucine.
Molecular consequence: missense variant.
Genome position (GRCh38, 1-based): chr12:88,055,577, T>A on the plus strand (A>T on the coding strand, the complement: CEP290 is on the minus strand). VCF-style: chr12-88055577-T-A. GRCh37 (hg19) VCF-style: chr12-88449354-T-A.
Other names: c.6959A>T (NM_025114.3); short protein forms Q2320L.
Identifiers: ClinVar variation 1352257 (VCV001352257.6), dbSNP rs780375623, ClinGen allele CA385975897.